The following is an entry in ClinVar:

NM_001283009.2(RTEL1):c.46C>T (p.Gln16Ter)

Genes: RTEL1-TNFRSF6B (RTEL1-TNFRSF6B readthrough (NMD candidate); plus strand), RTEL1 (regulator of telomere elongation helicase 1; plus strand). Cytogenetic location: 20q13.33.
Variant type: single nucleotide variant.
Coding change: c.46C>T on transcript NM_001283009.2 (MANE Select); coding-DNA position 46, C replaced by T.
Protein change: p.Gln16Ter; replaces glutamine 16 with a stop codon.
Molecular consequence: nonsense. On other transcripts: non-coding transcript variant (1), intron variant (1).
Genome position (GRCh38, 1-based): chr20:63,659,448, C>T. VCF-style: chr20-63659448-C-T. GRCh37 (hg19) VCF-style: chr20-62290801-C-T.
Other names: c.46C>T, p.Gln16Ter (NM_016434.4, NM_032957.5); c.-568+989C>T (NM_001283010.1); short protein forms Q16*.
Identifiers: ClinVar variation 1350840 (VCV001350840.6), dbSNP rs2146141455, ClinGen allele CA409657481.
Genomic context (GRCh38, chr20:63,659,448, plus strand): 5'-TGAGAACAGGCTGATATGCCCAAGATAGTCCTGAATGGTGTGACCGTAGACTTCCCTTTC[C>T]AGCCCTACAAATGCCAACAGGAGTACATGACCAAGGTCCTGGAATGTCTGCAGCAGGTAG-3'

ClinVar aggregate classification (germline): Pathogenic (1 of 4 stars; one submission).

Conditions:
Dyskeratosis congenita, autosomal recessive 5 (DKCB5). Identifiers: MedGen C3554656, MONDO:0014076, OMIM 615190.
Pulmonary fibrosis and/or bone marrow failure, Telomere-related, 3. Also called: PULMONARY FIBROSIS AND/OR BONE MARROW FAILURE SYNDROME, TELOMERE-RELATED, 3. Identifiers: Orphanet 2032, MedGen C4225346, MONDO:0014613, OMIM 616373.

Submission:

Labcorp Genetics (formerly Invitae), Labcorp
Classification: Pathogenic for Dyskeratosis congenita, autosomal recessive 5; Pulmonary fibrosis and/or bone marrow failure, Telomere-related, 3. Last evaluated: 2021-02-26. Review status: criteria provided, single submitter. Criteria: Invitae Variant Classification Sherloc (09022015). Collection method: clinical testing. Allele origin: germline.
Comment: For these reasons, this variant has been classified as Pathogenic. This variant has not been reported in the literature in individuals with RTEL1-related conditions. This variant is not present in population databases (ExAC no frequency). This sequence change creates a premature translational stop signal (p.Gln16*) in the RTEL1 gene. It is expected to result in an absent or disrupted protein product. Loss-of-function variants in RTEL1 are known to be pathogenic (PMID: 23453664, 23959892, 25607374).

Literature cited by the submitters: PubMed 23453664; PubMed 23959892; PubMed 25607374.